The following is an entry in ClinVar:

NM_002386.4(MC1R):c.*337A>G

Gene: MC1R (melanocortin 1 receptor; plus strand). Cytogenetic location: 16q24.3.
Variant type: single nucleotide variant.
Coding change: c.*337A>G on transcript NM_002386.4 (MANE Select); 337 bases downstream of the stop codon, A replaced by G.
Molecular consequence: 3 prime UTR variant.
Genome position (GRCh38, 1-based): chr16:89,920,549, A>G. VCF-style: chr16-89920549-A-G. GRCh37 (hg19) VCF-style: chr16-89986957-A-G.
Identifiers: ClinVar variation 321449 (VCV000321449.5), dbSNP rs143513600, ClinGen allele CA8255839.

ClinVar aggregate classification (germline): Benign (1 of 4 stars; one submission).

Conditions:
Melanoma, cutaneous malignant, susceptibility to, 5. Also called: Cutaneous malignant melanoma 5. Identifiers: Orphanet 618, MedGen C2751295, MONDO:0013133, OMIM 613099.

Allele frequency attached by ClinVar (database versions not stated): 1000 Genomes Project 30x 0.00515; gnomAD exomes 0.00047 and 0.00105; ExAC 0.00220; TOPMed 0.00385; gnomAD 0.00347 and 0.00365; 1000 Genomes Project 0.00439.
gnomAD v4.1: 769 of 637,760 alleles (0.12%); highest among the groups gnomAD compares: African/African-American, 1.2%; 6 homozygotes.

Submission:

Illumina Laboratory Services, Illumina
Classification: Benign for Melanoma, cutaneous malignant, susceptibility to, 5. Last evaluated: 2018-01-13. Review status: criteria provided, single submitter. Criteria: ICSL Variant Classification Criteria 13 December 2019. Collection method: clinical testing. Allele origin: germline.
Comment: This variant was observed in the ICSL laboratory as part of a predisposition screen in an ostensibly healthy population. It had not been previously curated by ICSL or reported in the Human Gene Mutation Database (HGMD: prior to June 1st, 2018), and was therefore a candidate for classification through an automated scoring system. Utilizing variant allele frequency, disease prevalence and penetrance estimates, and inheritance mode, an automated score was calculated to assess if this variant is too frequent to cause the disease. Based on the score and internal cut-off values, a variant classified as benign is not then subjected to further curation. The score for this variant resulted in a classification of benign for this disease.